The following is an entry in ClinVar:

NM_001184.4(ATR):c.5476G>T (p.Val1826Leu)

Gene: ATR (ATR checkpoint kinase; minus strand). Cytogenetic location: 3q23.
Variant type: single nucleotide variant.
Coding change: c.5476G>T on transcript NM_001184.4 (MANE Select); coding-DNA position 5476, G replaced by T.
Protein change: p.Val1826Leu; replaces valine 1826 with leucine.
Molecular consequence: missense variant.
Genome position (GRCh38, 1-based): chr3:142,498,679, C>A on the plus strand (G>T on the coding strand, the complement: ATR is on the minus strand). VCF-style: chr3-142498679-C-A. GRCh37 (hg19) VCF-style: chr3-142217521-C-A.
Other names: c.5284G>T, p.Val1762Leu (NM_001354579.2); short protein forms V1762L, V1826L.
Identifiers: ClinVar variation 1747767 (VCV001747767.2), dbSNP rs2473165021, ClinGen allele CA354815836.

ClinVar aggregate classification (germline): Uncertain significance (1 of 4 stars; one submission).

Conditions:
Inborn genetic diseases. Identifiers: MedGen C0950123, MeSH D030342.

Submission:

Ambry Genetics
Classification: Uncertain significance for Inborn genetic diseases. Last evaluated: 2022-06-20. Review status: criteria provided, single submitter. Criteria: Ambry Variant Classification Scheme 2023. Collection method: clinical testing. Allele origin: germline.
Comment: The p.V1826L variant (also known as c.5476G>T), located in coding exon 32 of the ATR gene, results from a G to T substitution at nucleotide position 5476. The valine at codon 1826 is replaced by leucine, an amino acid with highly similar properties. This amino acid position is conserved. In addition, the in silico prediction for this alteration is inconclusive. Since supporting evidence is limited at this time, the clinical significance of this alteration remains unclear.